The following is an entry in ClinVar:

ClinVar aggregate classification (germline): Benign/Likely benign. Review status: criteria provided, multiple submitters, no conflicts (2 of 4 stars). 11 submissions from 11 submitters: Benign (10); Likely benign (1). Last evaluated 2026-02-04.

Conditions:
Hereditary cancer-predisposing syndrome. Also called: Hereditary Cancer Syndrome; Tumor predisposition; Hereditary neoplastic syndrome; Neoplastic Syndromes, Hereditary. Identifiers: Orphanet 140162, MedGen C0027672, MeSH D009386, MONDO:0015356.
Hereditary breast ovarian cancer syndrome. Also called: Hereditary breast and ovarian cancer syndrome (HBOC); Breast and ovarian cancer; Hereditary breast and/or ovarian cancer syndrome; Hereditary breast and ovarian cancer; Hereditary breast and ovarian cancer syndrome; BRCA1- and BRCA2-Associated Hereditary Breast and Ovarian Cancer. Identifiers: Orphanet 145, MedGen C0677776, MeSH D061325, MONDO:0003582. Disease mechanism: loss of function.
Familial cancer of breast. Also called: Hereditary breast cancer; hereditary breast carcinoma; BREAST CANCER, FAMILIAL. Identifiers: Orphanet 227535, MedGen C0346153, MONDO:0016419, OMIM 114480. Disease mechanism: loss of function.

Allele frequency attached by ClinVar (database versions not stated): gnomAD 0.35133 and 0.34966; 1000 Genomes Project 0.35224; 1000 Genomes Project 30x 0.35228; gnomAD exomes 0.35687 and 0.34421; ExAC 0.36140; TOPMed 0.33371; ESP Exome Variant Server 0.33531.
gnomAD v4.1: 554,046 of 1,606,412 alleles (34%); highest among the groups gnomAD compares: South Asian, 40%; 96,897 homozygotes.

Submissions (11):

Labcorp Genetics (formerly Invitae), Labcorp
Classification: Benign for Familial cancer of breast. Last evaluated: 2026-02-04. Review status: criteria provided, single submitter. Criteria: Invitae Variant Classification Sherloc (09022015). Collection method: clinical testing. Allele origin: germline.

GeneKor MSA
Classification: Benign for Hereditary cancer-predisposing syndrome. Last evaluated: 2025-07-10. Review status: criteria provided, single submitter. Criteria: ACMG Guidelines, 2015. Collection method: clinical testing. Allele origin: germline.

Blueprint Genetics
Classification: Likely benign. Last evaluated: 2024-11-26. Review status: criteria provided, single submitter. Criteria: ACMG Guidelines, 2015. Collection method: clinical testing. Allele origin: germline.

KCCC/NGS Laboratory, Kuwait Cancer Control Center
Classification: Benign for Familial cancer of breast. Last evaluated: 2023-07-07. Review status: criteria provided, single submitter. Criteria: ACMG Guidelines, 2015. Collection method: clinical testing. Allele origin: germline. Affected: yes.

National Health Laboratory Service, Universitas Academic Hospital and University of the Free State
Classification: Benign for Hereditary breast ovarian cancer syndrome. Last evaluated: 2022-04-19. Review status: criteria provided, single submitter. Criteria: ACMG Guidelines, 2015. Collection method: clinical testing. Allele origin: germline. Affected: yes. Observed: 148 variant alleles.

Illumina Laboratory Services, Illumina
Classification: Benign for Familial cancer of breast. Last evaluated: 2018-01-12. Review status: criteria provided, single submitter. Criteria: ICSL Variant Classification Criteria 13 December 2019. Collection method: clinical testing. Allele origin: germline.
Comment: This variant was observed in the ICSL laboratory as part of a predisposition screen in an ostensibly healthy population. It had not been previously curated by ICSL or reported in the Human Gene Mutation Database (HGMD: prior to June 1st, 2018), and was therefore a candidate for classification through an automated scoring system. Utilizing variant allele frequency, disease prevalence and penetrance estimates, and inheritance mode, an automated score was calculated to assess if this variant is too frequent to cause the disease. Based on the score and internal cut-off values, a variant classified as benign is not then subjected to further curation. The score for this variant resulted in a classification of benign for this disease.

Laboratory for Molecular Medicine, Mass General Brigham Personalized Medicine
Classification: Benign. Last evaluated: 2016-03-28. Review status: criteria provided, single submitter. Criteria: LMM Criteria. Collection method: clinical testing. Allele origin: germline.
Comment: Variant identified in a genome or exome case(s) and assessed due to predicted null impact of the variant or pathogenic assertions in the literature or databases. Disclaimer: This variant has not undergone full assessment. The following are preliminary notes: Frequency

Color Diagnostics, LLC DBA Color Health
Classification: Benign for Hereditary cancer-predisposing syndrome. Last evaluated: 2015-03-31. Review status: criteria provided, single submitter. Criteria: ACMG Guidelines, 2015. Collection method: clinical testing. Allele origin: germline.

GeneDx
Classification: Benign. Last evaluated: 2015-03-03. Review status: criteria provided, single submitter. Criteria: GeneDx Variant Classification Process June 2021. Collection method: clinical testing. Allele origin: germline. Affected: yes.

Breakthrough Genomics
Classification: Benign. Review status: criteria provided, single submitter. Criteria: ACMG Guidelines, 2015. Collection method: not provided. Allele origin: germline. Inheritance: Autosomal dominant inheritance. Affected: yes.

PreventionGenetics, part of Exact Sciences
Classification: Benign. Review status: criteria provided, single submitter. Criteria: ACMG Guidelines, 2015. Collection method: clinical testing. Allele origin: germline.

NM_000465.4(BARD1):c.1568+14C>T

Gene: BARD1 (BRCA1 associated RING domain 1; minus strand). Cytogenetic location: 2q35.
Variant type: single nucleotide variant.
Coding change: c.1568+14C>T on transcript NM_000465.4 (MANE Select); 14 bases into the intron after coding-DNA position 1568, C replaced by T.
Molecular consequence: intron variant.
Genome position (GRCh38, 1-based): chr2:214,767,468, G>A on the plus strand (C>T on the coding strand, the complement: BARD1 is on the minus strand). VCF-style: chr2-214767468-G-A. GRCh37 (hg19) VCF-style: chr2-215632192-G-A.
Other names: c.159-14913C>T (NM_001282548.2); c.1511+14C>T (NM_001282543.2); c.216-14913C>T (NM_001282545.2); c.364+24829C>T (NM_001282549.2).
Identifiers: ClinVar variation 256214 (VCV000256214.27), dbSNP rs5031011, ClinGen allele CA2090235.